The following is an entry in ClinVar:

ClinVar aggregate classification (germline): Uncertain significance (1 of 4 stars; one submission).

Allele frequency attached by ClinVar (database versions not stated): gnomAD 0.00001.
gnomAD v4.1: 7 of 1,613,966 alleles (0.00043%); highest among the groups gnomAD compares: Non-Finnish European, 0.00059%; no homozygotes.

Submission:

Labcorp Genetics (formerly Invitae), Labcorp
Classification: Uncertain significance. Last evaluated: 2022-04-30. Review status: criteria provided, single submitter. Criteria: Invitae Variant Classification Sherloc (09022015). Collection method: clinical testing. Allele origin: germline.
Comment: In summary, the available evidence is currently insufficient to determine the role of this variant in disease. Therefore, it has been classified as a Variant of Uncertain Significance. Algorithms developed to predict the effect of missense changes on protein structure and function are either unavailable or do not agree on the potential impact of this missense change (SIFT: "Tolerated"; PolyPhen-2: "Possibly Damaging"; Align-GVGD: "Class C0"). This variant has not been reported in the literature in individuals affected with C10orf11-related conditions. This variant is present in population databases (no rsID available, gnomAD 0.007%). This sequence change replaces phenylalanine, which is neutral and non-polar, with isoleucine, which is neutral and non-polar, at codon 24 of the C10orf11 protein (p.Phe24Ile).

NM_001305581.2(LRMDA):c.154T>A (p.Phe52Ile)

Genes: LRMDA (leucine rich melanocyte differentiation associated; plus strand), LOC110121427 (VISTA enhancer hs1679; plus strand). Cytogenetic location: 10q22.3.
Variant type: single nucleotide variant.
Coding change: c.154T>A on transcript NM_001305581.2 (MANE Select); coding-DNA position 154, T replaced by A.
Protein change: p.Phe52Ile; replaces phenylalanine 52 with isoleucine.
Molecular consequence: missense variant. On other transcripts: non-coding transcript variant (1).
Genome position (GRCh38, 1-based): chr10:76,036,030, T>A. VCF-style: chr10-76036030-T-A. GRCh37 (hg19) VCF-style: chr10-77795788-T-A.
Other names: c.70T>A, p.Phe24Ile (NM_032024.5); short protein forms F52I, F24I.
Identifiers: ClinVar variation 2112014 (VCV002112014.4), dbSNP rs1425475161, ClinGen allele CA377400627.
Genomic context (GRCh38, chr10:76,036,030, plus strand): 5'-GTGCAGGATCATTTTTCCTGTTGCCTTTGTCATTGCAGGTCACTGGAAGGACTGAGCGCA[T>A]TCAGGAGCCTGGAGGAACTCATCTTGGACAACAATCAGCTGGGGGACGACCTTGTGTTGC-3'
Protein context (NP_001292510.1, residues 42-62): LLRSLEGLSA[Phe52Ile]RSLEELILDN